The following is an entry in ClinVar:

ClinVar aggregate classification (germline): Likely benign (1 of 4 stars; one submission).

gnomAD v4.1: 831 of 1,613,554 alleles (0.052%); highest among the groups gnomAD compares: Admixed American, 0.04%; 5 homozygotes.

Submission:

CeGaT Center for Human Genetics Tuebingen
Classification: Likely benign. Last evaluated: 2024-07-01. Review status: criteria provided, single submitter. Criteria: CeGaT Center For Human Genetics Tuebingen Variant Classification Criteria Version 2. Collection method: clinical testing. Allele origin: germline. Affected: yes. Observed: 1 variant allele.
Comment: SEC16A: BP4, BS2

NM_014866.2(SEC16A):c.1519G>A (p.Gly507Arg)

Gene: SEC16A (SEC16 homolog A, endoplasmic reticulum export factor; minus strand). Cytogenetic location: 9q34.3.
Variant type: single nucleotide variant.
Coding change: c.1519G>A on transcript NM_014866.2 (MANE Select); coding-DNA position 1519, G replaced by A.
Protein change: p.Gly507Arg; replaces glycine 507 with arginine.
Molecular consequence: missense variant.
Genome position (GRCh38, 1-based): chr9:136,476,097, C>T on the plus strand (G>A on the coding strand, the complement: SEC16A is on the minus strand). VCF-style: chr9-136476097-C-T. GRCh37 (hg19) VCF-style: chr9-139370549-C-T.
Other names: c.1519G>A, p.Gly507Arg (NM_001276418.2); short protein forms G507R.
Identifiers: ClinVar variation 3341652 (VCV003341652.16).